The following is an entry in ClinVar:

ClinVar aggregate classification (germline): Benign/Likely benign. Review status: criteria provided, multiple submitters, no conflicts (2 of 4 stars). 10 submissions from 9 submitters: Benign (4); Likely benign (6). Last evaluated 2026-09-01.

Conditions:
RYR1-related disorder. Also called: RYR1-related disorders; RYR1-related condition. Identifiers: MedGen CN239331.
Congenital multicore myopathy with external ophthalmoplegia (CMYO1B). Also called: Congenital myopathy 1B, autosomal recessive; Minicore myopathy; MULTICORE MYOPATHY; MULTIMINICORE DISEASE WITH EXTERNAL OPHTHALMOPLEGIA; Minicore myopathy with external ophthalmoplegia. Identifiers: Orphanet 598, Orphanet 98905, MedGen C1850674, MONDO:0009712, OMIM 255320, HP:0003789.
Malignant hyperthermia, susceptibility to, 1 (MHS1). Also called: Malignant hyperthermia suceptibility 1; Anesthesia related hyperthermia; Malignant hyperpyrexia; Fulminating hyperpyrexia; Pharmacogenic myopathy; RYR1-Related Malignant Hyperthermia Susceptibility. Identifiers: Orphanet 423, MedGen C2930980, MONDO:0007783, OMIM 145600.

Allele frequency attached by ClinVar (database versions not stated): gnomAD exomes 0.00077; ExAC 0.00091; 1000 Genomes Project 0.00240; gnomAD 0.00242; 1000 Genomes Project 30x 0.00250; TOPMed 0.00319; ESP Exome Variant Server 0.00338.
gnomAD v4.1: 849 of 1,614,178 alleles (0.053%); highest among the groups gnomAD compares: African/African-American, 0.92%; 2 homozygotes.

Submissions (10):

CeGaT Center for Human Genetics Tuebingen
Classification: Likely benign. Last evaluated: 2026-09-01. Review status: criteria provided, single submitter. Criteria: CeGaT Center For Human Genetics Tuebingen Variant Classification Criteria Version 2. Collection method: clinical testing. Allele origin: germline. Affected: yes. Observed: 6 variant alleles.
Comment: RYR1: BP4, BS2

Labcorp Genetics (formerly Invitae), Labcorp
Classification: Benign for RYR1-related disorder. Last evaluated: 2026-01-28. Review status: criteria provided, single submitter. Criteria: Invitae Variant Classification Sherloc (09022015). Collection method: clinical testing. Allele origin: germline.

Mayo Clinic Laboratories, Mayo Clinic
Classification: Likely benign. Last evaluated: 2025-06-27. Review status: criteria provided, single submitter. Criteria: ACMG Guidelines, 2015. Collection method: clinical testing. Allele origin: germline. Observed: 3 variant alleles.
Comment: BS1, BP4, BP7

Blueprint Genetics
Classification: Likely benign. Last evaluated: 2024-10-29. Review status: criteria provided, single submitter. Criteria: ACMG Guidelines, 2015. Collection method: clinical testing. Allele origin: germline.

Color Diagnostics, LLC DBA Color Health
Classification: Benign for Malignant hyperthermia, susceptibility to, 1. Last evaluated: 2022-11-06. Review status: criteria provided, single submitter. Criteria: ACMG Guidelines, 2015. Collection method: clinical testing. Allele origin: germline.

GeneDx
Classification: Likely benign. Last evaluated: 2020-07-27. Review status: criteria provided, single submitter. Criteria: GeneDx Variant Classification Process June 2021. Collection method: clinical testing. Allele origin: germline. Affected: yes.

PreventionGenetics, part of Exact Sciences
Classification: Benign. Last evaluated: 2018-03-13. Review status: criteria provided, single submitter. Criteria: ACMG Guidelines, 2015. Collection method: clinical testing. Allele origin: germline.

Illumina Laboratory Services, Illumina
Classification: Likely benign for Malignant hyperthermia, susceptibility to, 1. Last evaluated: 2018-01-13. Review status: criteria provided, single submitter. Criteria: ICSL Variant Classification Criteria 13 December 2019. Collection method: clinical testing. Allele origin: germline.
Comment: This variant was observed in the ICSL laboratory as part of a predisposition screen in an ostensibly healthy population. It had not been previously curated by ICSL or reported in the Human Gene Mutation Database (HGMD: prior to June 1st, 2018), and was therefore a candidate for classification through an automated scoring system. Utilizing variant allele frequency, disease prevalence and penetrance estimates, and inheritance mode, an automated score was calculated to assess if this variant is too frequent to cause the disease. Based on the score and internal cut-off values, a variant classified as likely benign is not then subjected to further curation. The score for this variant resulted in a classification of likely benign for this disease.

Illumina Laboratory Services, Illumina
Classification: Likely benign for Congenital multicore myopathy with external ophthalmoplegia. Last evaluated: 2018-01-13. Review status: criteria provided, single submitter. Criteria: ICSL Variant Classification Criteria 13 December 2019. Collection method: clinical testing. Allele origin: germline.
Comment: the same text as in the submission from Illumina Laboratory Services, Illumina above.

Eurofins Ntd Llc (ga)
Classification: Benign. Last evaluated: 2014-07-10. Review status: criteria provided, single submitter. Criteria: EGL Classification Definitions 2015. Collection method: clinical testing. Allele origin: germline. Observed: 1 variant allele, 1 heterozygote.

NM_000540.3(RYR1):c.14130-8C>G

Gene: RYR1 (ryanodine receptor 1; plus strand). Cytogenetic location: 19q13.2.
Variant type: single nucleotide variant.
Coding change: c.14130-8C>G on transcript NM_000540.3 (MANE Select); 8 bases into the intron before coding-DNA position 14130, C replaced by G.
Molecular consequence: intron variant.
Genome position (GRCh38, 1-based): chr19:38,575,911, C>G. VCF-style: chr19-38575911-C-G. GRCh37 (hg19) VCF-style: chr19-39066551-C-G.
Other names: p.?; c.14115-8C>G (NM_001042723.2).
Identifiers: ClinVar variation 199242 (VCV000199242.69), dbSNP rs140808099, ClinGen allele CA024106.
Genomic context (GRCh38, chr19:38,575,911, plus strand): 5'-TGGCTGACAGCTCTGATCCCTCTGGCCCTAACATCTTATACTCACGCTTTCTCTCTCTCT[C>G]TCTGCAGGTCTTTCCCTAGCAACTACTGGGACAAGTTTGTCAAGCGCAAGGTGAGAGGAC-3'